The following is an entry in ClinVar:

ClinVar aggregate classification (germline): Benign/Likely benign. Review status: criteria provided, multiple submitters, no conflicts (2 of 4 stars). 8 submissions from 8 submitters: Benign (1); Likely benign (7). Last evaluated 2026-01-27.

Conditions:
Neuroblastoma, susceptibility to, 3. Also called: ALK-Related Neuroblastic Tumor Susceptibility. Identifiers: Orphanet 635, MedGen C2751681, MONDO:0013083, OMIM 613014.
ALK-related disorder. Also called: ALK-related condition.
Hereditary cancer-predisposing syndrome. Also called: Tumor predisposition; Hereditary Cancer Syndrome; Neoplastic Syndromes, Hereditary; Hereditary neoplastic syndrome. Identifiers: Orphanet 140162, MedGen C0027672, MeSH D009386, MONDO:0015356.

Allele frequency attached by ClinVar (database versions not stated): TOPMed 0.00012; gnomAD 0.00013; ESP Exome Variant Server 0.00031.
gnomAD v4.1: 217 of 1,613,508 alleles (0.013%); highest among the groups gnomAD compares: Non-Finnish European, 0.016%; no homozygotes.

Submissions (8):

Labcorp Genetics (formerly Invitae), Labcorp
Classification: Likely benign for Neuroblastoma, susceptibility to, 3. Last evaluated: 2026-01-27. Review status: criteria provided, single submitter. Criteria: Invitae Variant Classification Sherloc (09022015). Collection method: clinical testing. Allele origin: germline.

CeGaT Center for Human Genetics Tuebingen
Classification: Likely benign. Last evaluated: 2026-01-01. Review status: criteria provided, single submitter. Criteria: CeGaT Center For Human Genetics Tuebingen Variant Classification Criteria Version 2. Collection method: clinical testing. Allele origin: germline. Affected: yes. Observed: 8 variant alleles.
Comment: ALK: BP4, BP7

PreventionGenetics, part of Exact Sciences
Classification: Likely benign for ALK-related condition. Last evaluated: 2025-01-14. Review status: criteria provided, single submitter. Criteria: ACMG Guidelines, 2015. Collection method: clinical testing. Allele origin: germline.
Comment: This variant is classified as likely benign based on ACMG/AMP sequence variant interpretation guidelines (Richards et al. 2015 PMID: 25741868, with internal and published modifications).

Blueprint Genetics
Classification: Likely benign. Last evaluated: 2024-11-19. Review status: criteria provided, single submitter. Criteria: ACMG Guidelines, 2015. Collection method: clinical testing. Allele origin: germline.

Sema4
Classification: Benign for Hereditary cancer-predisposing syndrome. Last evaluated: 2021-12-09. Review status: criteria provided, single submitter. Criteria: Sema4 Curation Guidelines. Collection method: curation. Allele origin: germline.

Genetic Services Laboratory, University of Chicago
Classification: Likely benign. Last evaluated: 2021-03-19. Review status: criteria provided, single submitter. Criteria: ACMG Guidelines, 2015. Collection method: clinical testing. Allele origin: germline. Affected: no.

Ambry Genetics
Classification: Likely benign for Hereditary cancer-predisposing syndrome. Last evaluated: 2018-10-31. Review status: criteria provided, single submitter. Criteria: Ambry Variant Classification Scheme 2023. Collection method: clinical testing. Allele origin: germline.

Illumina Laboratory Services, Illumina
Classification: Likely benign for Neuroblastoma, susceptibility to, 3. Last evaluated: 2018-01-12. Review status: criteria provided, single submitter. Criteria: ICSL Variant Classification Criteria 13 December 2019. Collection method: clinical testing. Allele origin: germline.
Comment: This variant was observed in the ICSL laboratory as part of a predisposition screen in an ostensibly healthy population. It had not been previously curated by ICSL or reported in the Human Gene Mutation Database (HGMD: prior to June 1st, 2018), and was therefore a candidate for classification through an automated scoring system. Utilizing variant allele frequency, disease prevalence and penetrance estimates, and inheritance mode, an automated score was calculated to assess if this variant is too frequent to cause the disease. Based on the score and internal cut-off values, a variant classified as likely benign is not then subjected to further curation. The score for this variant resulted in a classification of likely benign for this disease.

NM_004304.5(ALK):c.1626G>C (p.Pro542=)

Gene: ALK (ALK receptor tyrosine kinase; minus strand). Cytogenetic location: 2p23.2.
Variant type: single nucleotide variant.
Coding change: c.1626G>C on transcript NM_004304.5 (MANE Select); coding-DNA position 1626, G replaced by C.
Protein change: p.Pro542=; no amino-acid change (proline 542 retained).
Molecular consequence: synonymous variant.
Genome position (GRCh38, 1-based): chr2:29,318,325, C>G on the plus strand (G>C on the coding strand, the complement: ALK is on the minus strand). VCF-style: chr2-29318325-C-G. GRCh37 (hg19) VCF-style: chr2-29541191-C-G.
Identifiers: ClinVar variation 335706 (VCV000335706.45), dbSNP rs143916398, ClinGen allele CA1594587.